The following is an entry in ClinVar:

ClinVar aggregate classification (germline): Uncertain significance (1 of 4 stars; one submission).

Conditions:
Ehlers-Danlos syndrome, classic type, 1 (EDSCL1). Also called: Ehlers-Danlos Syndrome, Classic Type, COL5A1-Related; EHLERS-DANLOS SYNDROME, GRAVIS TYPE; EHLERS-DANLOS SYNDROME, SEVERE CLASSIC TYPE; Ehlers-Danlos syndrome, type 1; EDS I. Identifiers: MedGen C0268335, MONDO:0019567, OMIM 130000.
Osteogenesis imperfecta type I (OI1). Also called: OI, TYPE I; OSTEOGENESIS IMPERFECTA TARDA; OSTEOGENESIS IMPERFECTA WITH BLUE SCLERAE; Osteogenesis imperfecta type 1; Classic Non-deforming Osteogenesis Imperfecta with Blue Sclerae; Lobstein's Disease. Identifiers: Orphanet 216796, Orphanet 666, MedGen C0023931, MONDO:0008146, OMIM 166200. Disease mechanism: loss of function.

Allele frequency attached by ClinVar (database versions not stated): gnomAD 0.00001; ExAC 0.00002; gnomAD exomes 0.00001; TOPMed 0.00001.
gnomAD v4.1: 6 of 1,614,074 alleles (0.00037%); highest among the groups gnomAD compares: Admixed American, 0.005%; no homozygotes.

Submission:

Labcorp Genetics (formerly Invitae), Labcorp
Classification: Uncertain significance for Osteogenesis imperfecta type I; Ehlers-Danlos syndrome, classic type, 1. Last evaluated: 2022-09-04. Review status: criteria provided, single submitter. Criteria: Invitae Variant Classification Sherloc (09022015). Collection method: clinical testing. Allele origin: germline.
Comment: This sequence change affects codon 850 of the COL1A2 mRNA. It is a 'silent' change, meaning that it does not change the encoded amino acid sequence of the COL1A2 protein. In summary, the available evidence is currently insufficient to determine the role of this variant in disease. Therefore, it has been classified as a Variant of Uncertain Significance. Algorithms developed to predict the effect of sequence changes on RNA splicing suggest that this variant may create or strengthen a splice site. This variant has not been reported in the literature in individuals affected with COL1A2-related conditions. This variant is present in population databases (rs764720520, gnomAD 0.01%).

NM_000089.4(COL1A2):c.2550A>T (p.Gly850=)

Gene: COL1A2 (collagen type I alpha 2 chain; plus strand). Cytogenetic location: 7q21.3.
Variant type: single nucleotide variant.
Coding change: c.2550A>T on transcript NM_000089.4 (MANE Select); coding-DNA position 2550, A replaced by T.
Protein change: p.Gly850=; no amino-acid change (glycine 850 retained).
Molecular consequence: synonymous variant.
Genome position (GRCh38, 1-based): chr7:94,423,103, A>T. VCF-style: chr7-94423103-A-T. GRCh37 (hg19) VCF-style: chr7-94052415-A-T.
Identifiers: ClinVar variation 2195583 (VCV002195583.4), dbSNP rs764720520, ClinGen allele CA4347473.